The following is an entry in ClinVar:

NM_000843.4(GRM6):c.1942G>A (p.Ala648Thr)

Genes: GRM6 (glutamate metabotropic receptor 6; minus strand), ZNF454 (zinc finger protein 454; plus strand). Cytogenetic location: 5q35.3.
Variant type: single nucleotide variant.
Coding change: c.1942G>A on transcript NM_000843.4 (MANE Select); coding-DNA position 1942, G replaced by A.
Protein change: p.Ala648Thr; replaces alanine 648 with threonine.
Molecular consequence: missense variant.
Genome position (GRCh38, 1-based): chr5:178,986,312, C>T on the plus strand (G>A on the coding strand, the complement: GRM6 is on the minus strand). VCF-style: chr5-178986312-C-T. GRCh37 (hg19) VCF-style: chr5-178413313-C-T.
Other names: short protein forms A648T.
Identifiers: ClinVar variation 861627 (VCV000861627.8), dbSNP rs367739086, ClinGen allele CA3593882.

ClinVar aggregate classification (germline): Uncertain significance (1 of 4 stars; one submission).

Allele frequency attached by ClinVar (database versions not stated): gnomAD 0.00001; gnomAD exomes 0.00003 and 0.00005; TOPMed 0.00003; ExAC 0.00005; ESP Exome Variant Server 0.00008.
gnomAD v4.1: 41 of 1,613,864 alleles (0.0025%); highest among the groups gnomAD compares: South Asian, 0.018%; no homozygotes.

Submission:

Labcorp Genetics (formerly Invitae), Labcorp
Classification: Uncertain significance. Last evaluated: 2022-08-31. Review status: criteria provided, single submitter. Criteria: Invitae Variant Classification Sherloc (09022015). Collection method: clinical testing. Allele origin: germline.
Comment: This sequence change replaces alanine, which is neutral and non-polar, with threonine, which is neutral and polar, at codon 648 of the GRM6 protein (p.Ala648Thr). This variant is present in population databases (rs367739086, gnomAD 0.03%). This variant has not been reported in the literature in individuals affected with GRM6-related conditions. ClinVar contains an entry for this variant (Variation ID: 861627). Advanced modeling of protein sequence and biophysical properties (such as structural, functional, and spatial information, amino acid conservation, physicochemical variation, residue mobility, and thermodynamic stability) performed at Invitae indicates that this missense variant is not expected to disrupt GRM6 protein function. In summary, the available evidence is currently insufficient to determine the role of this variant in disease. Therefore, it has been classified as a Variant of Uncertain Significance.